The following is an entry in ClinVar:

NM_203447.4(DOCK8):c.631G>A (p.Glu211Lys)

Gene: DOCK8 (dedicator of cytokinesis 8; plus strand). Cytogenetic location: 9p24.3.
Variant type: single nucleotide variant.
Coding change: c.631G>A on transcript NM_203447.4 (MANE Select); coding-DNA position 631, G replaced by A.
Protein change: p.Glu211Lys; replaces glutamic acid 211 with lysine.
Molecular consequence: missense variant.
Genome position (GRCh38, 1-based): chr9:312,056, G>A. VCF-style: chr9-312056-G-A. GRCh37 (hg19) VCF-style: chr9-312056-G-A.
Other names: c.427G>A, p.Glu143Lys (NM_001190458.2, NM_001193536.2); short protein forms E143K, E211K.
Identifiers: ClinVar variation 935102 (VCV000935102.10), dbSNP rs747212410, ClinGen allele CA4957343.

ClinVar aggregate classification (germline): Uncertain significance. Review status: criteria provided, multiple submitters, no conflicts (2 of 4 stars). 2 submissions from 2 submitters: Uncertain significance (2). Last evaluated 2024-11-27.

Conditions:
Inborn genetic diseases. Identifiers: MedGen C0950123, MeSH D030342.

Allele frequency attached by ClinVar (database versions not stated): ExAC 0.00002; gnomAD 0.00002 and 0.00001; TOPMed 0.00003; gnomAD exomes 0.00001.
gnomAD v4.1: 12 of 1,614,090 alleles (0.00074%); highest among the groups gnomAD compares: Admixed American, 0.0017%; no homozygotes.

Submissions (2):

Ambry Genetics
Classification: Uncertain significance for Inborn genetic diseases. Last evaluated: 2024-11-27. Review status: criteria provided, single submitter. Criteria: Ambry Variant Classification Scheme 2023. Collection method: clinical testing. Allele origin: germline.

Labcorp Genetics (formerly Invitae), Labcorp
Classification: Uncertain significance for Combined immunodeficiency due to DOCK8 deficiency. Last evaluated: 2019-11-13. Review status: criteria provided, single submitter. Criteria: Invitae Variant Classification Sherloc (09022015). Collection method: clinical testing. Allele origin: germline.
Comment: Algorithms developed to predict the effect of missense changes on protein structure and function output the following: SIFT: "Tolerated"; PolyPhen-2: "Benign"; Align-GVGD: "Class C0". The lysine amino acid residue is found in multiple mammalian species, suggesting that this missense change does not adversely affect protein function. These predictions have not been confirmed by published functional studies and their clinical significance is uncertain. In summary, the available evidence is currently insufficient to determine the role of this variant in disease. Therefore, it has been classified as a Variant of Uncertain Significance. The frequency data for this variant in the population databases is considered unreliable, as metrics indicate poor data quality at this position in the ExAC database. This variant has not been reported in the literature in individuals with DOCK8-related conditions. This sequence change replaces glutamic acid with lysine at codon 211 of the DOCK8 protein (p.Glu211Lys). The glutamic acid residue is moderately conserved and there is a small physicochemical difference between glutamic acid and lysine.